The following is an entry in ClinVar:

ClinVar aggregate classification (germline): Pathogenic (1 of 4 stars; one submission).

gnomAD v4.1: 1 of 1,613,776 alleles (0.000062%); highest among the groups gnomAD compares: South Asian, 0.0011%; no homozygotes.

Submission:

Labcorp Genetics (formerly Invitae), Labcorp
Classification: Pathogenic. Last evaluated: 2023-05-21. Review status: criteria provided, single submitter. Criteria: Invitae Variant Classification Sherloc (09022015). Collection method: clinical testing. Allele origin: germline.
Comment: This sequence change creates a premature translational stop signal (p.Glu3535*) in the ADGRV1 gene. It is expected to result in an absent or disrupted protein product. Loss-of-function variants in ADGRV1 are known to be pathogenic (PMID: 19357117, 22135276, 22147658, 26226137, 30718709, 31047384, 32467589). For these reasons, this variant has been classified as Pathogenic. This variant has not been reported in the literature in individuals affected with ADGRV1-related conditions. This variant is not present in population databases (gnomAD no frequency).

Literature cited by the submitters: PubMed 19357117; PubMed 22135276; PubMed 22147658; PubMed 26226137; PubMed 30718709; PubMed 31047384; PubMed 32467589.

NM_032119.4(ADGRV1):c.10603G>T (p.Glu3535Ter)

Gene: ADGRV1 (adhesion G protein-coupled receptor V1; plus strand). Cytogenetic location: 5q14.3.
Variant type: single nucleotide variant.
Coding change: c.10603G>T on transcript NM_032119.4 (MANE Select); coding-DNA position 10603, G replaced by T.
Protein change: p.Glu3535Ter; replaces glutamic acid 3535 with a stop codon.
Molecular consequence: nonsense. On other transcripts: non-coding transcript variant (1).
Genome position (GRCh38, 1-based): chr5:90,745,099, G>T. VCF-style: chr5-90745099-G-T. GRCh37 (hg19) VCF-style: chr5-90040916-G-T.
Other names: short protein forms E3535*.
Identifiers: ClinVar variation 2866627 (VCV002866627.3), dbSNP rs2531538042, ClinGen allele CA360407762.